The following is an entry in ClinVar:

ClinVar aggregate classification (germline): Uncertain significance (1 of 4 stars; one submission).

Submission:

GeneDx
Classification: Uncertain significance. Last evaluated: 2023-12-29. Review status: criteria provided, single submitter. Criteria: GeneDx Variant Classification Process June 2021. Collection method: clinical testing. Allele origin: germline. Affected: yes.
Comment: Not observed at significant frequency in large population cohorts (gnomAD); In silico analysis supports that this missense variant has a deleterious effect on protein structure/function; Has not been previously published as pathogenic or benign to our knowledge

NM_001111125.3(IQSEC2):c.2824C>T (p.Arg942Trp)

Gene: IQSEC2 (IQ motif and Sec7 domain ArfGEF 2; minus strand). Cytogenetic location: Xp11.22.
Variant type: single nucleotide variant.
Coding change: c.2824C>T on transcript NM_001111125.3 (MANE Select); coding-DNA position 2824, C replaced by T.
Protein change: p.Arg942Trp; replaces arginine 942 with tryptophan.
Molecular consequence: missense variant.
Genome position (GRCh38, 1-based): chrX:53,243,397, G>A on the plus strand (C>T on the coding strand, the complement: IQSEC2 is on the minus strand). VCF-style: chrX-53243397-G-A. GRCh37 (hg19) VCF-style: chrX-53272579-G-A.
Other names: c.2824C>T, p.Arg942Trp (NM_001410736.1); c.2209C>T, p.Arg737Trp (NM_015075.2); short protein forms R737W, R942W.
Identifiers: ClinVar variation 3367273 (VCV003367273.1).